The following is an entry in ClinVar:

ClinVar aggregate classification (germline): Uncertain significance. Review status: criteria provided, multiple submitters, no conflicts (2 of 4 stars). 2 submissions from 2 submitters: Uncertain significance (2). Last evaluated 2025-05-26.

Conditions:
Hereditary cancer-predisposing syndrome. Also called: Neoplastic Syndromes, Hereditary; Hereditary neoplastic syndrome; Tumor predisposition; Hereditary Cancer Syndrome. Identifiers: Orphanet 140162, MedGen C0027672, MeSH D009386, MONDO:0015356.
Neuroblastoma, susceptibility to, 3. Also called: ALK-Related Neuroblastic Tumor Susceptibility. Identifiers: Orphanet 635, MedGen C2751681, MONDO:0013083, OMIM 613014.

gnomAD v4.1: 1 of 1,613,374 alleles (0.000062%); highest among the groups gnomAD compares: Non-Finnish European, 0.000085%; no homozygotes.

Submissions (2):

Ambry Genetics
Classification: Uncertain significance for Hereditary cancer-predisposing syndrome. Last evaluated: 2025-05-26. Review status: criteria provided, single submitter. Criteria: Ambry Variant Classification Scheme 2023. Collection method: clinical testing. Allele origin: germline.
Comment: The p.A1047P variant (also known as c.3139G>C), located in coding exon 19 of the ALK gene, results from a G to C substitution at nucleotide position 3139. The alanine at codon 1047 is replaced by proline, an amino acid with highly similar properties. This amino acid position is conserved. In addition, the in silico prediction for this alteration is inconclusive. Based on the available evidence, the clinical significance of this variant remains unclear.

Labcorp Genetics (formerly Invitae), Labcorp
Classification: Uncertain significance for Neuroblastoma, susceptibility to, 3. Last evaluated: 2022-06-24. Review status: criteria provided, single submitter. Criteria: Invitae Variant Classification Sherloc (09022015). Collection method: clinical testing. Allele origin: germline.
Comment: In summary, the available evidence is currently insufficient to determine the role of this variant in disease. Therefore, it has been classified as a Variant of Uncertain Significance. Algorithms developed to predict the effect of missense changes on protein structure and function (SIFT, PolyPhen-2, Align-GVGD) all suggest that this variant is likely to be disruptive. This variant has not been reported in the literature in individuals affected with ALK-related conditions. This variant is not present in population databases (gnomAD no frequency). This sequence change replaces alanine, which is neutral and non-polar, with proline, which is neutral and non-polar, at codon 1047 of the ALK protein (p.Ala1047Pro).

NM_004304.5(ALK):c.3139G>C (p.Ala1047Pro)

Gene: ALK (ALK receptor tyrosine kinase; minus strand). Cytogenetic location: 2p23.2.
Variant type: single nucleotide variant.
Coding change: c.3139G>C on transcript NM_004304.5 (MANE Select); coding-DNA position 3139, G replaced by C.
Protein change: p.Ala1047Pro; replaces alanine 1047 with proline.
Molecular consequence: missense variant.
Genome position (GRCh38, 1-based): chr2:29,225,494, C>G on the plus strand (G>C on the coding strand, the complement: ALK is on the minus strand). VCF-style: chr2-29225494-C-G. GRCh37 (hg19) VCF-style: chr2-29448360-C-G.
Other names: c.3139G>C (NM_004304.4); short protein forms A1047P.
Identifiers: ClinVar variation 2010014 (VCV002010014.5), dbSNP rs370049091, ClinGen allele CA346466841.